The following is an entry in ClinVar:

ClinVar aggregate classification (germline): Uncertain significance (1 of 4 stars; one submission).

Conditions:
Progressive sclerosing poliodystrophy (MTDPS4A). Also called: ALPERS PROGRESSIVE INFANTILE POLIODYSTROPHY; NEURONAL DEGENERATION OF CHILDHOOD WITH LIVER DISEASE, PROGRESSIVE; Mitochondrial DNA Depletion Syndrome 4A; Alpers Syndrome; ALPERS DIFFUSE DEGENERATION OF CEREBRAL GRAY MATTER WITH HEPATIC CIRRHOSIS; Alpers-Huttenlocher Syndrome. Identifiers: Orphanet 726, MedGen C0205710, MONDO:0008758, OMIM 203700.

Submission:

Labcorp Genetics (formerly Invitae), Labcorp
Classification: Uncertain significance for Progressive sclerosing poliodystrophy. Last evaluated: 2025-07-23. Review status: criteria provided, single submitter. Criteria: Invitae Variant Classification Sherloc (09022015). Collection method: clinical testing. Allele origin: germline.
Comment: This sequence change replaces isoleucine, which is neutral and non-polar, with phenylalanine, which is neutral and non-polar, at codon 1079 of the POLG protein (p.Ile1079Phe). This variant is not present in population databases (gnomAD no frequency). This variant has not been reported in the literature in individuals affected with POLG-related conditions. Invitae Evidence Modeling of protein sequence and biophysical properties (such as structural, functional, and spatial information, amino acid conservation, physicochemical variation, residue mobility, and thermodynamic stability) indicates that this missense variant is expected to disrupt POLG protein function with a positive predictive value of 95%. In summary, the available evidence is currently insufficient to determine the role of this variant in disease. Therefore, it has been classified as a Variant of Uncertain Significance.

NM_002693.3(POLG):c.3235A>T (p.Ile1079Phe)

Gene: POLG (DNA polymerase gamma, catalytic subunit; minus strand). Cytogenetic location: 15q26.1.
Variant type: single nucleotide variant.
Coding change: c.3235A>T on transcript NM_002693.3 (MANE Select); coding-DNA position 3235, A replaced by T.
Protein change: p.Ile1079Phe; replaces isoleucine 1079 with phenylalanine.
Molecular consequence: missense variant.
Genome position (GRCh38, 1-based): chr15:89,318,969, T>A on the plus strand (A>T on the coding strand, the complement: POLG is on the minus strand). VCF-style: chr15-89318969-T-A. GRCh37 (hg19) VCF-style: chr15-89862200-T-A.
Other names: c.3235A>T, p.Ile1079Phe (NM_001126131.2); short protein forms I1079F.
Identifiers: ClinVar variation 4802411 (VCV004802411.1).
Genomic context (GRCh38, chr15:89,318,969, plus strand): 5'-TGCTCCAAAGGTAGCAAGATACCTCTTCCTGGACAGCCGAGGGCTCCAGGGCTCGGCTGA[T>A]GCAGCAGCCCAGCACCGGGGTACGTGGTATGTCAGACGTAGCAATGCTCTCAAGCTTATT-3'
Protein context (NP_002684.1, residues 1069-1089): IPRTPVLGCC[Ile1079Phe]SRALEPSAVQ